The following is an entry in ClinVar:

ClinVar aggregate classification (germline): Uncertain significance (1 of 4 stars; one submission).

Submission:

GeneDx
Classification: Uncertain significance. Last evaluated: 2024-08-28. Review status: criteria provided, single submitter. Criteria: GeneDx Variant Classification Process June 2021. Collection method: clinical testing. Allele origin: germline. Affected: yes.
Comment: Not observed at significant frequency in large population cohorts (gnomAD); In silico analysis supports that this missense variant does not alter protein structure/function; Has not been previously published as pathogenic or benign to our knowledge

NM_016219.5(MAN1B1):c.1455A>T (p.Glu485Asp)

Gene: MAN1B1 (mannosidase alpha class 1B member 1; plus strand). Cytogenetic location: 9q34.3.
Variant type: single nucleotide variant.
Coding change: c.1455A>T on transcript NM_016219.5 (MANE Select); coding-DNA position 1455, A replaced by T.
Protein change: p.Glu485Asp; replaces glutamic acid 485 with aspartic acid.
Molecular consequence: missense variant. On other transcripts: non-coding transcript variant (2).
Genome position (GRCh38, 1-based): chr9:137,106,698, A>T. VCF-style: chr9-137106698-A-T. GRCh37 (hg19) VCF-style: chr9-140001150-A-T.
Other names: short protein forms E485D.
Identifiers: ClinVar variation 1703990 (VCV001703990.3), dbSNP rs1448418549, ClinGen allele CA375656234.
Genomic context (GRCh38, chr9:137,106,698, plus strand): 5'-GGGAGCCGATGCACCGTCCTGGTAGAGTGAGATGACTGCTGGTGTCCACAGGCTGCTGGA[A>T]GACTACGTGGAAGCCATCGAGGGTGTCAGAACGCACCTGCTGCGGCACTCCGAGCCCAGT-3'
Protein context (NP_057303.2, residues 475-495): QGGKQETQLL[Glu485Asp]DYVEAIEGVR